The following is an entry in ClinVar:

NC_000019.9:g.(?_4123761)_(4123872_?)del

Gene: MAP2K2 (mitogen-activated protein kinase kinase 2; minus strand). Cytogenetic location: 19p13.3.
Variant type: Deletion.
Identifiers: ClinVar variation 2426937 (VCV002426937.4).

ClinVar aggregate classification (germline): Uncertain significance (1 of 4 stars; one submission).

Conditions:
RASopathy. Also called: Noonan spectrum disorder; rasopathies. Identifiers: Orphanet 536391, MedGen C5555857, MONDO:0021060.

Submission:

Labcorp Genetics (formerly Invitae), Labcorp
Classification: Uncertain significance for RASopathy. Last evaluated: 2022-01-18. Review status: criteria provided, single submitter. Criteria: Invitae Variant Classification Sherloc (09022015). Collection method: clinical testing. Allele origin: germline.
Comment: In summary, the available evidence is currently insufficient to determine the role of this variant in disease. Therefore, it has been classified as a Variant of Uncertain Significance. This variant has not been reported in the literature in individuals affected with MAP2K2-related conditions. This variant is a gross deletion of the genomic region encompassing exon(s) 1 of the MAP2K2 gene, which includes the initiator codon. This deletion extends beyond the assayed region for this gene and therefore may encompass additional genes. It is expected to result in an absent or disrupted protein product. However, the current clinical and genetic evidence is not sufficient to establish whether loss-of-function variants in MAP2K2 cause disease.